The following is an entry in ClinVar:

NM_001164508.2(NEB):c.3165C>G (p.Asp1055Glu)

Gene: NEB (nebulin; minus strand). Cytogenetic location: 2q23.3.
Variant type: single nucleotide variant.
Coding change: c.3165C>G on transcript NM_001164508.2 (MANE Select); coding-DNA position 3165, C replaced by G.
Protein change: p.Asp1055Glu; replaces aspartic acid 1055 with glutamic acid.
Molecular consequence: missense variant.
Genome position (GRCh38, 1-based): chr2:151,679,811, G>C on the plus strand (C>G on the coding strand, the complement: NEB is on the minus strand). VCF-style: chr2-151679811-G-C. GRCh37 (hg19) VCF-style: chr2-152536325-G-C.
Other names: c.3165C>G, p.Asp1055Glu (NM_001164507.2, NM_001271208.2, NM_004543.5); short protein forms D1055E.
Identifiers: ClinVar variation 2098467 (VCV002098467.1), dbSNP rs1448712345, ClinGen allele CA348820323.

ClinVar aggregate classification (germline): Uncertain significance (1 of 4 stars; one submission).

Conditions:
Nemaline myopathy 2 (NEM2). Also called: Nemaline myopathy 2, autosomal recessive. Identifiers: MedGen C1850569, MONDO:0009725, OMIM 256030.

Submission:

Labcorp Genetics (formerly Invitae), Labcorp
Classification: Uncertain significance for Nemaline myopathy 2. Last evaluated: 2022-02-18. Review status: criteria provided, single submitter. Criteria: Invitae Variant Classification Sherloc (09022015). Collection method: clinical testing. Allele origin: germline.
Comment: This sequence change replaces aspartic acid, which is acidic and polar, with glutamic acid, which is acidic and polar, at codon 1055 of the NEB protein (p.Asp1055Glu). This variant is not present in population databases (gnomAD no frequency). This variant has not been reported in the literature in individuals affected with NEB-related conditions. Algorithms developed to predict the effect of missense changes on protein structure and function are either unavailable or do not agree on the potential impact of this missense change (SIFT: "Deleterious"; PolyPhen-2: "Not Available"; Align-GVGD: "Class C0"). In summary, the available evidence is currently insufficient to determine the role of this variant in disease. Therefore, it has been classified as a Variant of Uncertain Significance.